The following is an entry in ClinVar:

ClinVar aggregate classification (germline): Uncertain significance (1 of 4 stars; one submission).

Conditions:
Colorectal cancer, hereditary nonpolyposis, type 7. Identifiers: Orphanet 144, MedGen C1858380, MONDO:0013725, OMIM 614385.

Submission:

Labcorp Genetics (formerly Invitae), Labcorp
Classification: Uncertain significance for Colorectal cancer, hereditary nonpolyposis, type 7. Last evaluated: 2021-09-18. Review status: criteria provided, single submitter. Criteria: Invitae Variant Classification Sherloc (09022015). Collection method: clinical testing. Allele origin: germline.
Comment: Algorithms developed to predict the effect of missense changes on protein structure and function output the following: SIFT: "Tolerated"; PolyPhen-2: "Benign"; Align-GVGD: "Class C0". The tyrosine amino acid residue is found in multiple mammalian species, which suggests that this missense change does not adversely affect protein function. This variant has not been reported in the literature in individuals affected with MLH3-related conditions. This variant is not present in population databases (ExAC no frequency). This sequence change replaces histidine with tyrosine at codon 296 of the MLH3 protein (p.His296Tyr). The histidine residue is moderately conserved and there is a moderate physicochemical difference between histidine and tyrosine. Algorithms developed to predict the effect of sequence changes on RNA splicing suggest that this variant may create or strengthen a splice site. In summary, the available evidence is currently insufficient to determine the role of this variant in disease. Therefore, it has been classified as a Variant of Uncertain Significance.

NM_001040108.2(MLH3):c.886C>T (p.His296Tyr)

Gene: MLH3 (mutL homolog 3; minus strand). Cytogenetic location: 14q24.3.
Variant type: single nucleotide variant.
Coding change: c.886C>T on transcript NM_001040108.2 (MANE Select); coding-DNA position 886, C replaced by T.
Protein change: p.His296Tyr; replaces histidine 296 with tyrosine.
Molecular consequence: missense variant.
Genome position (GRCh38, 1-based): chr14:75,048,770, G>A on the plus strand (C>T on the coding strand, the complement: MLH3 is on the minus strand). VCF-style: chr14-75048770-G-A. GRCh37 (hg19) VCF-style: chr14-75515473-G-A.
Other names: c.886C>T, p.His296Tyr (NM_014381.3); short protein forms H296Y.
Identifiers: ClinVar variation 1379339 (VCV001379339.6), dbSNP rs2139595991, ClinGen allele CA390448819.